The following is an entry in ClinVar:

NM_002242.4(KCNJ13):c.406G>A (p.Ala136Thr)

Genes: GIGYF2 (GRB10 interacting GYF protein 2; plus strand), KCNJ13 (potassium inwardly rectifying channel subfamily J member 13; minus strand). Cytogenetic location: 2q37.1.
Variant type: single nucleotide variant.
Coding change: c.406G>A on transcript NM_002242.4 (MANE Select); coding-DNA position 406, G replaced by A.
Protein change: p.Ala136Thr; replaces alanine 136 with threonine.
Molecular consequence: missense variant. On other transcripts: intron variant (5).
Genome position (GRCh38, 1-based): chr2:232,770,957, C>T on the plus strand (G>A on the coding strand, the complement: KCNJ13 is on the minus strand). VCF-style: chr2-232770957-C-T. GRCh37 (hg19) VCF-style: chr2-233635667-C-T.
Other names: c.166G>A, p.Ala56Thr (NM_001172417.1); c.532+9521C>T (NM_001103146.3, NM_015575.4, NM_001103148.2); c.533-5455C>T (NM_001103147.2); c.224+182G>A (NM_001172416.1); short protein forms A56T, A136T.
Identifiers: ClinVar variation 1402884 (VCV001402884.9), dbSNP rs749097137, ClinGen allele CA2170058.

ClinVar aggregate classification (germline): Uncertain significance. Review status: criteria provided, multiple submitters, no conflicts (2 of 4 stars). 2 submissions from 2 submitters: Uncertain significance (2). Last evaluated 2025-06-03.

Allele frequency attached by ClinVar (database versions not stated): gnomAD exomes 0.00001 and 0.00002; ExAC 0.00002; gnomAD 0.00005; TOPMed 0.00005.
gnomAD v4.1: 28 of 1,613,762 alleles (0.0017%); highest among the groups gnomAD compares: Admixed American, 0.005%; no homozygotes.

Submissions (2):

Ambry Genetics
Classification: Uncertain significance. Last evaluated: 2025-06-03. Review status: criteria provided, single submitter. Criteria: Ambry Variant Classification Scheme 2023. Collection method: clinical testing. Allele origin: germline.

Labcorp Genetics (formerly Invitae), Labcorp
Classification: Uncertain significance. Last evaluated: 2023-10-04. Review status: criteria provided, single submitter. Criteria: Invitae Variant Classification Sherloc (09022015). Collection method: clinical testing. Allele origin: germline.
Comment: This sequence change replaces alanine, which is neutral and non-polar, with threonine, which is neutral and polar, at codon 136 of the KCNJ13 protein (p.Ala136Thr). This variant is present in population databases (rs749097137, gnomAD 0.004%). This variant has not been reported in the literature in individuals affected with KCNJ13-related conditions. ClinVar contains an entry for this variant (Variation ID: 1402884). Advanced modeling of protein sequence and biophysical properties (such as structural, functional, and spatial information, amino acid conservation, physicochemical variation, residue mobility, and thermodynamic stability) performed at Invitae indicates that this missense variant is not expected to disrupt KCNJ13 protein function. In summary, the available evidence is currently insufficient to determine the role of this variant in disease. Therefore, it has been classified as a Variant of Uncertain Significance.